The following is an entry in ClinVar:

NM_030769.3(NPL):c.133A>G (p.Asn45Asp)

Gene: NPL (N-acetylneuraminate pyruvate lyase; plus strand). Cytogenetic location: 1q25.3.
Variant type: single nucleotide variant.
Coding change: c.133A>G on transcript NM_030769.3 (MANE Select); coding-DNA position 133, A replaced by G.
Protein change: p.Asn45Asp; replaces asparagine 45 with aspartic acid.
Molecular consequence: missense variant. On other transcripts: 5 prime UTR variant (1).
Genome position (GRCh38, 1-based): chr1:182,803,762, A>G. VCF-style: chr1-182803762-A-G. GRCh37 (hg19) VCF-style: chr1-182772897-A-G.
Other names: c.-224A>G (NM_001200050.2); c.133A>G, p.Asn45Asp (NM_001200051.2, NM_001200052.2, NM_001200056.2); short protein forms N45D.
Identifiers: ClinVar variation 3049662 (VCV003049662.2), dbSNP rs193141545, ClinGen allele CA1278905.
Genomic context (GRCh38, chr1:182,803,762, plus strand): 5'-ATCAACTTTTCAGTAATTGGTCAGTATGTGGATTATCTTGTGAAAGAACAGGGAGTGAAG[A>G]ACATTTTTGGTAAGTCAACTCTGGGGATGTCGCTGCATGTCTCCAGCTCAGTCTTTAGAA-3'
Protein context (NP_110396.1, residues 35-55): DYLVKEQGVK[Asn45Asp]IFVNGTTGEG

ClinVar aggregate classification (germline): Likely benign (0 of 4 stars; one submission).

Conditions:
NPL-related disorder. Also called: NPL-related condition.

Allele frequency attached by ClinVar (database versions not stated): gnomAD exomes 0.00024; gnomAD 0.00041; TOPMed 0.00043; ExAC 0.00092; 1000 Genomes Project 30x 0.00265; 1000 Genomes Project 0.00319.
gnomAD v4.1: 427 of 1,611,324 alleles (0.026%); highest among the groups gnomAD compares: East Asian, 0.78%; 4 homozygotes.

Submission:

PreventionGenetics, part of Exact Sciences
Classification: Likely benign for NPL-related condition. Last evaluated: 2020-07-14. Review status: no assertion criteria provided. Collection method: clinical testing. Allele origin: germline.
Comment: This variant is classified as likely benign based on ACMG/AMP sequence variant interpretation guidelines (Richards et al. 2015 PMID: 25741868, with internal and published modifications).